The following is an entry in ClinVar:

ClinVar aggregate classification (germline): Conflicting classifications of pathogenicity. Review status: criteria provided, conflicting classifications (1 of 4 stars). 5 submissions from 5 submitters: Uncertain significance (4); Benign (1). Last evaluated 2026-01-26.

Conditions:
Polydactyly of a triphalangeal thumb. Also called: Polydactyly, preaxial type II; POLYDACTYLY OF TRIPHALANGEAL THUMB; TRIPHALANGEAL THUMB-POLYDACTYLY SYNDROME. Identifiers: Orphanet 2439, Orphanet 2950, Orphanet 93336, MedGen C1868114, MONDO:0008270, OMIM 174500.
Inborn genetic diseases. Identifiers: MedGen C0950123, MeSH D030342.
Skeletal dysplasia. Also called: Primary bone dysplasia. Identifiers: Orphanet 364526, MedGen C0410528, MONDO:0018230, HP:0002652.

Allele frequency attached by ClinVar (database versions not stated): gnomAD exomes 0.00043 and 0.00101; TOPMed 0.00066; ExAC 0.00067; ESP Exome Variant Server 0.00069; gnomAD 0.00069; 1000 Genomes Project 30x 0.00031.
gnomAD v4.1: 1,510 of 1,539,944 alleles (0.098%); highest among the groups gnomAD compares: Non-Finnish European, 0.12%; 1 homozygote.

Submissions (5):

Labcorp Genetics (formerly Invitae), Labcorp
Classification: Uncertain significance. Last evaluated: 2026-01-26. Review status: criteria provided, single submitter. Criteria: Invitae Variant Classification Sherloc (09022015). Collection method: clinical testing. Allele origin: germline.
Comment: This sequence change replaces glutamic acid, which is acidic and polar, with lysine, which is basic and polar, at codon 6 of the LMBR1 protein (p.Glu6Lys). This variant is present in population databases (rs139646169, gnomAD 0.09%), and has an allele count higher than expected for a pathogenic variant. This variant has not been reported in the literature in individuals affected with LMBR1-related conditions. ClinVar contains an entry for this variant (Variation ID: 359440). An algorithm developed to predict the effect of missense changes on protein structure and function (PolyPhen-2) suggests that this variant is likely to be tolerated. In summary, the available evidence is currently insufficient to determine the role of this variant in disease. Therefore, it has been classified as a Variant of Uncertain Significance.

Ambry Genetics
Classification: Uncertain significance for Inborn genetic diseases. Last evaluated: 2021-07-06. Review status: criteria provided, single submitter. Criteria: Ambry Variant Classification Scheme 2023. Collection method: clinical testing. Allele origin: germline.

Cambridge Genomics Laboratory, East Genomic Laboratory Hub, NHS Genomic Medicine Service
Classification: Uncertain significance for Skeletal dysplasia. Last evaluated: 2020-05-29. Review status: criteria provided, single submitter. Criteria: ACGS Best Practice Guidelines for Variant Classification in Rare Disease 2020. Collection method: clinical testing. Allele origin: germline. Affected: yes. Observed: 1 variant allele.

Illumina Laboratory Services, Illumina
Classification: Benign for Polydactyly of a triphalangeal thumb. Last evaluated: 2018-01-13. Review status: criteria provided, single submitter. Criteria: ICSL Variant Classification Criteria 13 December 2019. Collection method: clinical testing. Allele origin: germline.
Comment: This variant was observed in the ICSL laboratory as part of a predisposition screen in an ostensibly healthy population. It had not been previously curated by ICSL or reported in the Human Gene Mutation Database (HGMD: prior to June 1st, 2018), and was therefore a candidate for classification through an automated scoring system. Utilizing variant allele frequency, disease prevalence and penetrance estimates, and inheritance mode, an automated score was calculated to assess if this variant is too frequent to cause the disease. Based on the score and internal cut-off values, a variant classified as benign is not then subjected to further curation. The score for this variant resulted in a classification of benign for this disease.

Eurofins Ntd Llc (ga)
Classification: Uncertain significance. Last evaluated: 2017-02-06. Review status: criteria provided, single submitter. Criteria: EGL Classification Definitions 2015. Collection method: clinical testing. Allele origin: germline. Observed: 1 variant allele, 1 heterozygote.

NM_022458.4(LMBR1):c.16G>A (p.Glu6Lys)

Genes: LMBR1 (limb development membrane protein 1; minus strand), LOC129999727 (ATAC-STARR-seq lymphoblastoid silent region 18853; plus strand). Cytogenetic location: 7q36.3.
Variant type: single nucleotide variant.
Coding change: c.16G>A on transcript NM_022458.4 (MANE Select); coding-DNA position 16, G replaced by A.
Protein change: p.Glu6Lys; replaces glutamic acid 6 with lysine.
Molecular consequence: missense variant. On other transcripts: 5 prime UTR variant (7), non-coding transcript variant (2).
Genome position (GRCh38, 1-based): chr7:156,892,978, C>T on the plus strand (G>A on the coding strand, the complement: LMBR1 is on the minus strand). VCF-style: chr7-156892978-C-T. GRCh37 (hg19) VCF-style: chr7-156685672-C-T.
Other names: c.16G>A, p.Glu6Lys (NM_001350953.2, NM_001363409.2, NM_001363410.2); c.-124G>A (NM_001350954.2); c.-617G>A (NM_001350955.2); c.-519G>A (NM_001350956.2, NM_001350958.2); c.-452G>A (NM_001350957.2, NM_001363411.2); c.26G>A, p.Arg9Gln (NM_001363412.2); c.-637G>A (NM_001363413.2); short protein forms E6K, R9Q.
Identifiers: ClinVar variation 359440 (VCV000359440.15), dbSNP rs139646169, ClinGen allele CA4588287.